The following is an entry in ClinVar:

NM_000540.3(RYR1):c.12931C>A (p.Arg4311Ser)

Gene: RYR1 (ryanodine receptor 1; plus strand). Cytogenetic location: 19q13.2.
Variant type: single nucleotide variant.
Coding change: c.12931C>A on transcript NM_000540.3 (MANE Select); coding-DNA position 12931, C replaced by A.
Protein change: p.Arg4311Ser; replaces arginine 4311 with serine.
Molecular consequence: missense variant.
Genome position (GRCh38, 1-based): chr19:38,565,265, C>A. VCF-style: chr19-38565265-C-A. GRCh37 (hg19) VCF-style: chr19-39055905-C-A.
Other names: c.12916C>A, p.Arg4306Ser (NM_001042723.2); short protein forms R4306S, R4311S.
Identifiers: ClinVar variation 2882802 (VCV002882802.2), dbSNP rs1442714362, ClinGen allele CA405672636.

ClinVar aggregate classification (germline): Uncertain significance (1 of 4 stars; one submission).

Conditions:
RYR1-related disorder. Also called: RYR1-related condition; RYR1-related disorders. Identifiers: MedGen CN239331.

Submission:

Labcorp Genetics (formerly Invitae), Labcorp
Classification: Uncertain significance for RYR1-related disorder. Last evaluated: 2024-02-02. Review status: criteria provided, single submitter. Criteria: Invitae Variant Classification Sherloc (09022015). Collection method: clinical testing. Allele origin: germline.
Comment: This sequence change replaces arginine, which is basic and polar, with serine, which is neutral and polar, at codon 4311 of the RYR1 protein (p.Arg4311Ser). The frequency data for this variant in the population databases is considered unreliable, as metrics indicate insufficient coverage at this position in the gnomAD database. This variant has not been reported in the literature in individuals affected with RYR1-related conditions. Advanced modeling of protein sequence and biophysical properties (such as structural, functional, and spatial information, amino acid conservation, physicochemical variation, residue mobility, and thermodynamic stability) performed at Invitae indicates that this missense variant is not expected to disrupt RYR1 protein function with a negative predictive value of 95%. In summary, the available evidence is currently insufficient to determine the role of this variant in disease. Therefore, it has been classified as a Variant of Uncertain Significance.